The following is an entry in ClinVar:

NM_007078.3(LDB3):c.175A>G (p.Thr59Ala)

Gene: LDB3 (LIM domain binding 3; plus strand). Cytogenetic location: 10q23.2.
Variant type: single nucleotide variant.
Coding change: c.175A>G on transcript NM_007078.3 (MANE Select); coding-DNA position 175, A replaced by G.
Protein change: p.Thr59Ala; replaces threonine 59 with alanine.
Molecular consequence: missense variant.
Genome position (GRCh38, 1-based): chr10:86,679,448, A>G. VCF-style: chr10-86679448-A-G. GRCh37 (hg19) VCF-style: chr10-88439205-A-G.
Other names: c.175A>G, p.Thr59Ala (NM_001080114.2, NM_001080115.2, NM_001080116.1 and 8 more transcripts); short protein forms T59A.
Identifiers: ClinVar variation 2986793 (VCV002986793.4), dbSNP rs1219221888, ClinGen allele CA377451323.
Genomic context (GRCh38, chr10:86,679,448, plus strand): 5'-GCCCAGTCCCAGCTCAGCCAGGGTGACCTCGTGGTGGCCATTGACGGCGTCAACACAGAC[A>G]CCATGACCCACCTGGAAGCCCAGAACAAGATCAAGTCTGCCAGCTACAACTTGAGCCTCA-3'
Protein context (NP_009009.1, residues 49-69): VVAIDGVNTD[Thr59Ala]MTHLEAQNKI

ClinVar aggregate classification (germline): Conflicting classifications of pathogenicity. Review status: criteria provided, conflicting classifications (1 of 4 stars). 2 submissions from 2 submitters: Uncertain significance (1); Likely benign (1). Last evaluated 2025-09-03.

Conditions:
Myofibrillar myopathy 4. Also called: Zaspopathy (type). Identifiers: Orphanet 98912, MedGen C4721886, MONDO:0012277, OMIM 609452.
Cardiovascular phenotype. Identifiers: MedGen CN230736.

Allele frequency attached by ClinVar (database versions not stated): gnomAD exomes below 0.00001; gnomAD 0.00001; TOPMed 0.00001.
gnomAD v4.1: 3 of 1,613,972 alleles (0.00019%); highest among the groups gnomAD compares: Non-Finnish European, 0.00025%; no homozygotes.

Submissions (2):

Ambry Genetics
Classification: Likely benign for Cardiovascular phenotype. Last evaluated: 2025-09-03. Review status: criteria provided, single submitter. Criteria: Ambry Variant Classification Scheme 2023. Collection method: clinical testing. Allele origin: germline.

Labcorp Genetics (formerly Invitae), Labcorp
Classification: Uncertain significance for Myofibrillar myopathy 4. Last evaluated: 2023-08-07. Review status: criteria provided, single submitter. Criteria: Invitae Variant Classification Sherloc (09022015). Collection method: clinical testing. Allele origin: germline.
Comment: In summary, the available evidence is currently insufficient to determine the role of this variant in disease. Therefore, it has been classified as a Variant of Uncertain Significance. An algorithm developed to predict the effect of missense changes on protein structure and function (PolyPhen-2) suggests that this variant is likely to be tolerated. This variant has not been reported in the literature in individuals affected with LDB3-related conditions. This variant is not present in population databases (gnomAD no frequency). This sequence change replaces threonine, which is neutral and polar, with alanine, which is neutral and non-polar, at codon 59 of the LDB3 protein (p.Thr59Ala).